The following is an entry in ClinVar:

NM_000180.4(GUCY2D):c.1026+6C>T

Gene: GUCY2D (guanylate cyclase 2D, retinal; plus strand). Cytogenetic location: 17p13.1.
Variant type: single nucleotide variant.
Coding change: c.1026+6C>T on transcript NM_000180.4 (MANE Select); 6 bases into the intron after coding-DNA position 1026, C replaced by T.
Molecular consequence: intron variant.
Genome position (GRCh38, 1-based): chr17:8,004,162, C>T. VCF-style: chr17-8004162-C-T. GRCh37 (hg19) VCF-style: chr17-7907480-C-T.
Identifiers: ClinVar variation 710563 (VCV000710563.27), dbSNP rs147410617, ClinGen allele CA8365614.
Genomic context (GRCh38, chr17:8,004,162, plus strand): 5'-CCTGCGCAGGGCTCAAGAGCGCCGCGAGCTGCCCTCTGACCTCAATCTGCAGCAGGTAGA[C>T]GGTCCCGGGAGGAGGGAAGAAGGCAAGGGAGAGGGGAGAGGACAGCCAAAGCAGGGAGAG-3'

ClinVar aggregate classification (germline): Benign/Likely benign. Review status: criteria provided, multiple submitters, no conflicts (2 of 4 stars). 4 submissions from 4 submitters: Benign (1); Likely benign (2). 1 of the submissions does not count toward it. Last evaluated 2025-09-15.

Conditions:
Leber congenital amaurosis 1 (LCA1). Also called: Congenital absence of the rods and cones; Leber's congenital tapetoretinal degeneration; Leber's congenital tapetoretinal dysplasia; AMAUROSIS CONGENITA OF LEBER I; RETINAL BLINDNESS, CONGENITAL. Identifiers: Orphanet 65, MedGen C2931258, MONDO:0008764, OMIM 204000.
Cone-rod dystrophy 6 (CORD6). Also called: Cone dystrophy progressive; RETINAL CONE DYSTROPHY 2. Identifiers: Orphanet 1872, MedGen C1866293, MONDO:0011143, OMIM 601777.
GUCY2D-related disorder. Also called: GUCY2D-related condition.

Allele frequency attached by ClinVar (database versions not stated): ESP Exome Variant Server 0.00008; gnomAD 0.00021 and 0.00031; TOPMed 0.00046; 1000 Genomes Project 30x 0.00062; 1000 Genomes Project 0.00080; gnomAD exomes 0.00083; ExAC 0.00109.
gnomAD v4.1: 642 of 1,584,914 alleles (0.041%); highest among the groups gnomAD compares: East Asian, 1.2%; 6 homozygotes.

Submissions (4):

Labcorp Genetics (formerly Invitae), Labcorp
Classification: Benign for Leber congenital amaurosis 1; Cone-rod dystrophy 6. Last evaluated: 2025-09-15. Review status: criteria provided, single submitter. Criteria: Invitae Variant Classification Sherloc (09022015). Collection method: clinical testing. Allele origin: germline.

CeGaT Center for Human Genetics Tuebingen
Classification: Likely benign. Last evaluated: 2025-02-01. Review status: criteria provided, single submitter. Criteria: CeGaT Center For Human Genetics Tuebingen Variant Classification Criteria Version 2. Collection method: clinical testing. Allele origin: germline. Affected: yes. Observed: 1 variant allele.
Comment: GUCY2D: BP4, BS1

Blueprint Genetics
Classification: Likely benign. Last evaluated: 2024-11-11. Review status: criteria provided, single submitter. Criteria: ACMG Guidelines, 2015. Collection method: clinical testing. Allele origin: germline.

PreventionGenetics, part of Exact Sciences
Classification: Benign for GUCY2D-related condition. Last evaluated: 2019-06-21. Review status: no assertion criteria provided. Collection method: clinical testing. Allele origin: germline. Not counted in ClinVar's aggregate classification.
Comment: This variant is classified as benign based on ACMG/AMP sequence variant interpretation guidelines (Richards et al. 2015 PMID: 25741868, with internal and published modifications).